The following is an entry in ClinVar:

Conditions:
Breast-ovarian cancer, familial, susceptibility to, 1 (BROVCA1). Also called: BRCA1 Hereditary Breast and Ovarian Cancer; OVARIAN CANCER, SUSCEPTIBILITY TO. Identifiers: Orphanet 145, MedGen C2676676, MONDO:0011450, OMIM 604370. Disease mechanism: loss of function.

Submission:

Brotman Baty Institute, University of Washington
No classification provided (evidence only). Condition: Breast-ovarian cancer, familial 1. Review status: no classification provided. Collection method: in vitro. Allele origin: not applicable. Functional consequence: functionally_normal.
ClinVar note: "not provided" was previously submitted as the classification for the variant. However, the classification appeared to be based only on an observation of functional data so it was converted to no classification on 2025-07-30.

NM_007294.4(BRCA1):c.66A>T (p.Leu22Phe)

Gene: BRCA1 (BRCA1 DNA repair associated; minus strand). Cytogenetic location: 17q21.31.
Variant type: single nucleotide variant.
Coding change: c.66A>T on transcript NM_007294.4 (MANE Select); coding-DNA position 66, A replaced by T.
Protein change: p.Leu22Phe; replaces leucine 22 with phenylalanine.
Molecular consequence: missense variant. On other transcripts: 5 prime UTR variant (1), non-coding transcript variant (1).
Genome position (GRCh38, 1-based): chr17:43,124,031, T>A on the plus strand (A>T on the coding strand, the complement: BRCA1 is on the minus strand). VCF-style: chr17-43124031-T-A. GRCh37 (hg19) VCF-style: chr17-41276048-T-A.
Other names: c.-123A>T (NM_001407916.1, NM_001407918.1, NM_001407946.1 and 46 more transcripts); c.-242A>T (NM_001407917.1, NM_001407954.1, NM_001408513.1); c.66A>T, p.Leu22Phe (NM_001407919.1, NM_001407937.1, NM_001407938.1 and 193 more transcripts); c.-221A>T (NM_001407920.1, NM_001407846.1, NM_001407697.1); c.-195A>T (NM_001407921.1, NM_001407923.1, NM_001407927.1 and 22 more transcripts); c.-22A>T (NM_001407924.1, NM_001407925.1, NM_001407928.1 and 23 more transcripts); c.-192A>T (NM_001407930.1, NM_001407942.1, NM_001408455.1 and 11 more transcripts); c.-199A>T (NM_001407934.1, NM_001408497.1, NM_001407741.1); and 8 more; short protein forms L22F.
Identifiers: ClinVar variation 867738 (VCV000867738.3), dbSNP rs786202533, ClinGen allele CA10602025.
Genomic context (GRCh38, chr17:43,124,031, plus strand): 5'-GATAATCATAGGAATCCCAAATTAATACACTCTTGTGCTGACTTACCAGATGGGACACTC[T>A]AAGATTTTCTGCATAGCATTAATGACATTTTGTACTTCTTCAACGCGAAGAGCAGATAAA-3'
Protein context (NP_009225.1, residues 12-32): QNVINAMQKI[Leu22Phe]ECPICLELIK